The following is an entry in ClinVar:

ClinVar aggregate classification (germline): Uncertain significance. Review status: criteria provided, multiple submitters, no conflicts (2 of 4 stars). 8 submissions from 8 submitters: Uncertain significance (8). Last evaluated 2025-11-10.

Conditions:
Familial ovarian cancer. Identifiers: MedGen C5679802, MONDO:0016248.
BRIP1-related disorder. Also called: BRIP1-related condition; BRIP1-related disorders. Identifiers: MedGen CN239206.
Hereditary cancer-predisposing syndrome. Also called: Tumor predisposition; Hereditary neoplastic syndrome; Neoplastic Syndromes, Hereditary; Hereditary Cancer Syndrome. Identifiers: Orphanet 140162, MedGen C0027672, MeSH D009386, MONDO:0015356.
Fanconi anemia complementation group J. Also called: BRIP1-Related Fanconi Anemia. Identifiers: Orphanet 84, MedGen C1836860, MONDO:0012187, OMIM 609054.
Familial cancer of breast. Also called: hereditary breast carcinoma; Hereditary breast cancer; BREAST CANCER, FAMILIAL. Identifiers: Orphanet 227535, MedGen C0346153, MONDO:0016419, OMIM 114480. Disease mechanism: loss of function.

Submissions (8):

Labcorp Genetics (formerly Invitae), Labcorp
Classification: Uncertain significance for Familial cancer of breast; Fanconi anemia complementation group J. Last evaluated: 2025-11-10. Review status: criteria provided, single submitter. Criteria: Invitae Variant Classification Sherloc (09022015). Collection method: clinical testing. Allele origin: germline.
Comment: This sequence change replaces threonine, which is neutral and polar, with isoleucine, which is neutral and non-polar, at codon 613 of the BRIP1 protein (p.Thr613Ile). This variant is not present in population databases (gnomAD no frequency). This missense change has been observed in individual(s) with colorectal polyps and/or melanoma (PMID: 34326862). ClinVar contains an entry for this variant (Variation ID: 220014). Invitae Evidence Modeling of protein sequence and biophysical properties (such as structural, functional, and spatial information, amino acid conservation, physicochemical variation, residue mobility, and thermodynamic stability) has been performed for this missense variant. However, the output from this modeling did not meet the statistical confidence thresholds required to predict the impact of this variant on BRIP1 protein function. In summary, the available evidence is currently insufficient to determine the role of this variant in disease. Therefore, it has been classified as a Variant of Uncertain Significance.

Ambry Genetics
Classification: Uncertain significance for Hereditary cancer-predisposing syndrome. Last evaluated: 2025-10-01. Review status: criteria provided, single submitter. Criteria: Ambry Variant Classification Scheme 2023. Collection method: clinical testing. Allele origin: germline.
Comment: The p.T613I variant (also known as c.1838C>T), located in coding exon 12 of the BRIP1 gene, results from a C to T substitution at nucleotide position 1838. The threonine at codon 613 is replaced by isoleucine, an amino acid with similar properties. This amino acid position is well conserved in available vertebrate species. In addition, this alteration is predicted to be deleterious by in silico analysis. Based on the available evidence, the clinical significance of this variant remains unclear.

Baylor Genetics
Classification: Uncertain significance for Familial cancer of breast. Last evaluated: 2023-06-22. Review status: criteria provided, single submitter. Criteria: ACMG Guidelines, 2015. Collection method: clinical testing. Allele origin: unknown.

PreventionGenetics, part of Exact Sciences
Classification: Uncertain significance for BRIP1-related condition. Last evaluated: 2022-12-14. Review status: criteria provided, single submitter. Criteria: ACMG Guidelines, 2015. Collection method: clinical testing. Allele origin: germline.
Comment: The BRIP1 c.1838C>T variant is predicted to result in the amino acid substitution p.Thr613Ile. This variant has been reported along with other variants in an individual with pancreatic and ovarian cancers (Dudley et al. 2018. PubMed ID: 29360161). This variant has not been reported in a large population database, indicating this variant is rare. In ClinVar, this variant is interpreted as uncertain. At this time, the clinical significance of this variant is uncertain due to the absence of conclusive functional and genetic evidence.

Mendelics
Classification: Uncertain significance. Last evaluated: 2022-05-04. Review status: criteria provided, single submitter. Criteria: Mendelics Assertion Criteria 2019. Collection method: clinical testing. Allele origin: germline.

Department of Pathology and Laboratory Medicine, Sinai Health System
Classification: Uncertain significance for familial ovarian cancer. Last evaluated: 2021-08-08. Review status: criteria provided, single submitter. Criteria: ACMG Guidelines, 2015. Collection method: research. Allele origin: germline.

Color Diagnostics, LLC DBA Color Health
Classification: Uncertain significance for Hereditary cancer-predisposing syndrome. Last evaluated: 2021-03-22. Review status: criteria provided, single submitter. Criteria: ACMG Guidelines, 2015. Collection method: clinical testing. Allele origin: germline.
Comment: This missense variant replaces threonine with isoleucine at codon 613 of the BRIP1 protein. Computational prediction is inconclusive regarding the impact of this variant on protein structure and function (internally defined REVEL score threshold 0.5 < inconclusive < 0.7, PMID: 27666373). To our knowledge, functional studies have not been reported for this variant. This variant has been reported in an individual affected with ovarian cancer and pancreatic cancer who carried a pathogenic BRCA1 variant that could explain the observed phenotype (PMID: 29360161). This variant has not been identified in the general population by the Genome Aggregation Database (gnomAD). The available evidence is insufficient to determine the role of this variant in disease conclusively. Therefore, this variant is classified as a Variant of Uncertain Significance.

GeneDx
Classification: Uncertain significance. Last evaluated: 2019-09-12. Review status: criteria provided, single submitter. Criteria: GeneDx Variant Classification Process June 2021. Collection method: clinical testing. Allele origin: germline. Affected: yes.
Comment: Not observed in large population cohorts (Lek 2016); In silico analysis, which includes protein predictors and evolutionary conservation, supports a deleterious effect; Identified in a patient with ovarian and pancreatic cancer; however, the patient also harbored variants in BRCA1 and MSH6 (Dudley 2018); This variant is associated with the following publications: (PMID: 29360161)

Literature cited by the submitters: PubMed 34326862 (cited by Labcorp Genetics (formerly Invitae), Labcorp); PubMed 29360161 (cited by Ambry Genetics).

NM_032043.3(BRIP1):c.1838C>T (p.Thr613Ile)

Gene: BRIP1 (BRCA1 interacting DNA helicase 1; minus strand). Cytogenetic location: 17q23.2.
Variant type: single nucleotide variant.
Coding change: c.1838C>T on transcript NM_032043.3 (MANE Select); coding-DNA position 1838, C replaced by T.
Protein change: p.Thr613Ile; replaces threonine 613 with isoleucine.
Molecular consequence: missense variant.
Genome position (GRCh38, 1-based): chr17:61,780,358, G>A on the plus strand (C>T on the coding strand, the complement: BRIP1 is on the minus strand). VCF-style: chr17-61780358-G-A. GRCh37 (hg19) VCF-style: chr17-59857719-G-A.
Other names: short protein forms T613I.
Identifiers: ClinVar variation 220014 (VCV000220014.24), dbSNP rs864622345, ClinGen allele CA349159.